The following is an entry in ClinVar:

ClinVar aggregate classification (germline): Conflicting classifications of pathogenicity. Review status: criteria provided, conflicting classifications (1 of 4 stars). 3 submissions from 3 submitters: Uncertain significance (2); Likely benign (1). Last evaluated 2024-04-26.

Conditions:
Loeys-Dietz syndrome 2 (LDS2). Also called: TGFBR2-Related Loeys-Dietz Syndrome; AORTIC ANEURYSM, FAMILIAL THORACIC 3; MARFAN SYNDROME, TYPE II; Marfan syndrome, type 2 (formerly); Marfan Syndrome type 2; Marfan like connective tissue disorder. Identifiers: Orphanet 284973, Orphanet 558, MedGen C2674574, MONDO:0012427, OMIM 610168.

Allele frequency attached by ClinVar (database versions not stated): gnomAD 0.00001; gnomAD exomes 0.00002 and 0.00004; TOPMed 0.00002; ExAC 0.00003.
gnomAD v4.1: 31 of 1,613,914 alleles (0.0019%); highest among the groups gnomAD compares: Non-Finnish European, 0.0025%; no homozygotes.

Submissions (3):

Labcorp Genetics (formerly Invitae), Labcorp
Classification: Uncertain significance for Loeys-Dietz syndrome 2. Last evaluated: 2024-04-26. Review status: criteria provided, single submitter. Criteria: Invitae Variant Classification Sherloc (09022015). Collection method: clinical testing. Allele origin: germline.
Comment: This sequence change replaces aspartic acid, which is acidic and polar, with glycine, which is neutral and non-polar, at codon 324 of the TMPO protein (p.Asp324Gly). This variant is present in population databases (rs780719278, gnomAD 0.008%). This variant has not been reported in the literature in individuals affected with TMPO-related conditions. ClinVar contains an entry for this variant (Variation ID: 310766). Advanced modeling of protein sequence and biophysical properties (such as structural, functional, and spatial information, amino acid conservation, physicochemical variation, residue mobility, and thermodynamic stability) performed at Invitae indicates that this missense variant is not expected to disrupt TMPO protein function with a negative predictive value of 80%. In summary, the available evidence is currently insufficient to determine the role of this variant in disease. Therefore, it has been classified as a Variant of Uncertain Significance.

Ambry Genetics
Classification: Likely benign. Last evaluated: 2022-07-06. Review status: criteria provided, single submitter. Criteria: Ambry Variant Classification Scheme 2023. Collection method: clinical testing. Allele origin: germline.

GeneDx
Classification: Uncertain significance. Last evaluated: 2017-05-09. Review status: criteria provided, single submitter. Criteria: GeneDx Variant Classification (06012015). Collection method: clinical testing. Allele origin: germline. Affected: yes.
Comment: A variant of uncertain significance has been identified in the TMPO gene. The D324G variant has not been published as pathogenic or been reported as benign to our knowledge. This variant is observed in 4/66,544 (0.01%) alleles from individuals of European (Non-Finnish) ancestry in the Exome Aggregation Consortium (ExAC) dataset (Lek et al., 2016; 1000 Genomes Consortium et al., 2015; Exome Variant Server). The D324G variant is a non-conservative amino acid substitution, which is likely to impact secondary protein structure as these residues differ in polarity, charge, size and/or other properties. However, this substitution occurs at a position that is not conserved across species and in silico analysis is inconsistent in its predictions as to whether or not the variant is damaging to the protein structure/function.

NM_001032283.3(TMPO):c.565+1390A>G

Gene: TMPO (thymopoietin; plus strand). Cytogenetic location: 12q23.1.
Variant type: single nucleotide variant.
Coding change: c.565+1390A>G on transcript NM_001032283.3 (MANE Select); 1390 bases into the intron after coding-DNA position 565, A replaced by G.
Molecular consequence: intron variant. On other transcripts: missense variant (1).
Genome position (GRCh38, 1-based): chr12:98,533,228, A>G. VCF-style: chr12-98533228-A-G. GRCh37 (hg19) VCF-style: chr12-98927006-A-G.
Other names: c.971A>G, p.Asp324Gly (NM_003276.2); c.565+1390A>G (NM_001307975.2, NM_001032284.3); short protein forms D324G.
Identifiers: ClinVar variation 310766 (VCV000310766.10), dbSNP rs780719278, ClinGen allele CA6732327.